The following is an entry in ClinVar:

ClinVar aggregate classification (germline): Uncertain significance. Review status: criteria provided, multiple submitters, no conflicts (2 of 4 stars). 2 submissions from 2 submitters: Uncertain significance (2). Last evaluated 2025-09-19.

Conditions:
Hereditary cancer-predisposing syndrome. Also called: Tumor predisposition; Hereditary neoplastic syndrome; Neoplastic Syndromes, Hereditary; Hereditary Cancer Syndrome. Identifiers: Orphanet 140162, MedGen C0027672, MeSH D009386, MONDO:0015356.
EGFR-related lung cancer (EGFR). Identifiers: MedGen CN130014.

gnomAD v4.1: 29 of 1,614,116 alleles (0.0018%); highest among the groups gnomAD compares: Non-Finnish European, 0.0023%; no homozygotes.

Submissions (2):

Labcorp Genetics (formerly Invitae), Labcorp
Classification: Uncertain significance for EGFR-related lung cancer. Last evaluated: 2025-09-19. Review status: criteria provided, single submitter. Criteria: Invitae Variant Classification Sherloc (09022015). Collection method: clinical testing. Allele origin: germline.
Comment: This sequence change replaces serine, which is neutral and polar, with isoleucine, which is neutral and non-polar, at codon 170 of the EGFR protein (p.Ser170Ile). This variant is present in population databases (rs758945260, gnomAD 0.003%). This variant has not been reported in the literature in individuals affected with EGFR-related conditions. ClinVar contains an entry for this variant (Variation ID: 2177561). An algorithm developed to predict the effect of missense changes on protein structure and function (PolyPhen-2) suggests that this variant is likely to be tolerated. In summary, the available evidence is currently insufficient to determine the role of this variant in disease. Therefore, it has been classified as a Variant of Uncertain Significance.

Ambry Genetics
Classification: Uncertain significance for Hereditary cancer-predisposing syndrome. Last evaluated: 2025-02-19. Review status: criteria provided, single submitter. Criteria: Ambry Variant Classification Scheme 2023. Collection method: clinical testing. Allele origin: germline.
Comment: The p.S170I variant (also known as c.509G>T), located in coding exon 4 of the EGFR gene, results from a G to T substitution at nucleotide position 509. The serine at codon 170 is replaced by isoleucine, an amino acid with dissimilar properties. This amino acid position is conserved. In addition, this alteration is predicted to be tolerated by in silico analysis. Based on the available evidence, the clinical significance of this variant remains unclear.

NM_005228.5(EGFR):c.509G>T (p.Ser170Ile)

Gene: EGFR (epidermal growth factor receptor; plus strand). Cytogenetic location: 7p11.2.
Variant type: single nucleotide variant.
Coding change: c.509G>T on transcript NM_005228.5 (MANE Select); coding-DNA position 509, G replaced by T.
Protein change: p.Ser170Ile; replaces serine 170 with isoleucine.
Molecular consequence: missense variant. On other transcripts: intron variant (3).
Genome position (GRCh38, 1-based): chr7:55,146,690, G>T. VCF-style: chr7-55146690-G-T. GRCh37 (hg19) VCF-style: chr7-55214383-G-T.
Other names: c.509G>T, p.Ser170Ile (NM_001346898.2, NM_201282.2, NM_201283.2 and 1 more transcripts); c.350G>T, p.Ser117Ile (NM_001346900.2); c.424+3202G>T (NM_001346899.2, NM_001346897.2); c.89-9140G>T (NM_001346941.2); short protein forms S170I, S117I.
Identifiers: ClinVar variation 2177561 (VCV002177561.5), dbSNP rs758945260, ClinGen allele CA4265235.